The following continues an entry in ClinVar:

NM_001267550.2(TTN):c.107889del (p.Lys35963fs)

ClinVar aggregate classification (germline): Pathogenic. Pathogenic (13).

Submissions 6 to 15 of 15:

Women's Health and Genetics/Laboratory Corporation of America, LabCorp
Classification: Pathogenic for Autosomal recessive titinopathy. Last evaluated: 2023-05-26. Review status: criteria provided, single submitter. Criteria: LabCorp Variant Classification Summary - May 2015. Collection method: clinical testing. Allele origin: germline.
Comment: Variant summary: TTN c.100185delA (p.Lys33395AsnfsX9) results in a premature termination codon within the last exon (M-band region, PSI 100%), predicted to cause a truncation of the encoded protein. The variant allele was found at a frequency of 4e-06 in 249174 control chromosomes (gnomAD). c.100185delA has been reported in the literature in multiple individuals affected with Autosomal Recessive Titinopathy and some individuals with a cardiac-related phenotype (e.g. Ceyhan-Birsoy_2013, Evila_2017, Gonzalez-Quereda_2020, Yoneda_2021, Barbosa-Gouveia_2022). These data indicate that the variant is very likely to be associated with disease. The following publications have been ascertained in the context of this evaluation (PMID: 35628876, 23975875, 27796757, 32403337, 34495297). Nine clinical diagnostic laboratories have submitted clinical-significance assessments for this variant to ClinVar after 2014 and classified the variant as pathogenic. Based on the evidence outlined above, the variant was classified as pathogenic.

GeneDx
Classification: Pathogenic. Last evaluated: 2021-11-22. Review status: criteria provided, single submitter. Criteria: GeneDx Variant Classification Process June 2021. Collection method: clinical testing. Allele origin: germline. Affected: yes.
Comment: Reported as g.293378delA in the heterozygous state in individuals from two Spanish families with tibial muscular dystrophy (TMD) (Hackman et al., 2008); Not observed at a significant frequency in large population cohorts (Lek et al., 2016); Frameshift variant predicted to result in protein truncation as the last 29 amino acids are replaced with 8 different amino acids, and other loss-of-function variants have been reported downstream in the Human Gene Mutation Database (Stenson et al., 2014); This variant is associated with the following publications: (PMID: 20301498, 23975875, 18948003, 26627873, 26516846, 27854229, 24395473, 30238059, 31589614, 32528171, 32403337, 32039858)

AiLife Diagnostics
Classification: Pathogenic. Last evaluated: 2021-11-20. Review status: criteria provided, single submitter. Criteria: ACMG Guidelines, 2015. Collection method: clinical testing. Allele origin: germline. Affected: yes. Observed: 1 variant allele.

Revvity Omics, Revvity
Classification: Pathogenic. Last evaluated: 2021-11-11. Review status: criteria provided, single submitter. Criteria: ACMG Guidelines, 2015. Collection method: clinical testing. Allele origin: germline.

Fulgent Genetics
Classification: Pathogenic for Tibial muscular dystrophy; Myopathy, myofibrillar, 9, with early respiratory failure; Dilated cardiomyopathy 1G; Autosomal recessive limb-girdle muscular dystrophy type 2J; Early-onset myopathy with fatal cardiomyopathy; Hypertrophic cardiomyopathy 9. Last evaluated: 2021-10-02. Review status: criteria provided, single submitter. Criteria: ACMG Guidelines, 2015. Collection method: clinical testing. Allele origin: unknown.

Athena Diagnostics
Classification: Pathogenic. Last evaluated: 2020-03-13. Review status: criteria provided, single submitter. Criteria: Athena Diagnostics Criteria. Collection method: clinical testing. Allele origin: unknown.
Comment: The variant results in a shift of the reading frame, and is therefore predicted to result in the loss of a functional protein. Found in at least one patient with expected phenotype for this gene, and found in general population data at a frequency that is consistent with pathogenicity.

Broad Center for Mendelian Genomics, Broad Institute of MIT and Harvard
Classification: Pathogenic for Autosomal recessive limb-girdle muscular dystrophy type 2J. Last evaluated: 2018-12-03. Review status: criteria provided, single submitter. Criteria: ACMG Guidelines, 2015. Collection method: research. Allele origin: germline. Inheritance: Autosomal recessive inheritance. Affected: yes.
Comment: The presence of this variant in combination with a pathogenic variant and in an individual with LGMD increases the likelihood that the p.Lys35963AsnfsTer9 variant is pathogenic. This variant has been identified in 0.001083% (3/277072) of chromosomes in the Genome Aggregation Database (gnomAD; dbSNP rs281864929). Although this variant has been seen in the general population, its frequency is low enough to be consistent with a recessive carrier frequency. This variant is predicted to cause a frameshift, which alters the protein's amino acid sequence beginning at position 35963 and leads to a premature termination codon 9 amino acids downstream. This termination codon occurs within the last exon and is more likely to escape nonsense mediated decay (NMD) and result in a truncated protein. However, the truncated protein region in the last exon includes the A-band (PMID: 26777568). This variant has also been reported in ClinVar (Variation ID: 38439). Loss of function of the TTN gene is an established disease mechanism in autosomal recessive LGMD. In summary, the p.Lys35963AsnfsTer9 variant is pathogenic based off of our findings, multiple reports in ClinVar, and the literature. ACMG/AMP Criteria applied: PM2, PVS1_Strong, PM3, PM1 (Richards 2015).

Eurofins Ntd Llc (ga)
Classification: Pathogenic. Last evaluated: 2018-08-14. Review status: criteria provided, single submitter. Criteria: EGL ClinVar v180209 classification definitions. Collection method: clinical testing. Allele origin: germline. Observed: 7 variant alleles, 6 heterozygotes.

Cardiogenetics and Myogenetics Molecular and Cellular Functional Unit, Aphp Sorbonne University-Hopital Pitie Salpetriere
Classification: Likely pathogenic for Dilated cardiomyopathy 1G. Last evaluated: 2024-01-06. Review status: no assertion criteria provided. Collection method: clinical testing. Allele origin: germline. Affected: yes. Not counted in ClinVar's aggregate classification.

GeneReviews
Classification: Pathogenic for Udd Distal Myopathy. Last evaluated: 2012-08-23. Review status: no assertion criteria provided. Collection method: curation. Allele origin: unknown. Not counted in ClinVar's aggregate classification.
ClinVar note: Converted during submission from pathologic to Pathogenic.

Literature cited by the submitters: PubMed 23975875 (cited by 6 submitters); PubMed 24395473 (cited by 4 submitters); PubMed 26627873 (cited by 4 submitters); PubMed 26516846 (cited by 3 submitters); PubMed 34495297 (cited by Labcorp Genetics (formerly Invitae), Labcorp and Women's Health and Genetics/Laboratory Corporation of America, LabCorp); PubMed 25589632 (cited by Labcorp Genetics (formerly Invitae), Labcorp); PubMed 18948003 (cited by 5 submitters); PubMed 27869827 (cited by Labcorp Genetics (formerly Invitae), Labcorp); PubMed 32964742 (cited by Labcorp Genetics (formerly Invitae), Labcorp); PubMed 27854229 (cited by Ambry Genetics); PubMed 30238059 (cited by Ambry Genetics and AiLife Diagnostics); PubMed 32403337 (cited by Women's Health and Genetics/Laboratory Corporation of America, LabCorp and AiLife Diagnostics); PubMed 35628876 (cited by Women's Health and Genetics/Laboratory Corporation of America, LabCorp); PubMed 27796757 (cited by Women's Health and Genetics/Laboratory Corporation of America, LabCorp); PubMed 31589614 (cited by AiLife Diagnostics); PubMed 32778822 (cited by AiLife Diagnostics); PubMed 32039858 (cited by AiLife Diagnostics); PubMed 32528171 (cited by AiLife Diagnostics); PubMed 25037085 (cited by Athena Diagnostics); PubMed 23446887 (cited by Athena Diagnostics); PubMed 26777568 (cited by Broad Center for Mendelian Genomics, Broad Institute of MIT and Harvard); N:\Bioinformatics\EmBase\data\INPUT\TTN interpretation.docx (cited by Eurofins Ntd Llc (ga)).